The following is an entry in ClinVar:

ClinVar aggregate classification (germline): Uncertain significance (1 of 4 stars; one submission).

Conditions:
Lymphoproliferative syndrome 1 (LPFS1). Identifiers: Orphanet 238505, Orphanet 538963, MedGen C3552634, MONDO:0013081, OMIM 613011.

gnomAD v4.1: 6 of 1,613,766 alleles (0.00037%); highest among the groups gnomAD compares: Admixed American, 0.0083%; no homozygotes.

Submission:

Labcorp Genetics (formerly Invitae), Labcorp
Classification: Uncertain significance for Lymphoproliferative syndrome 1. Last evaluated: 2026-01-27. Review status: criteria provided, single submitter. Criteria: Invitae Variant Classification Sherloc (09022015). Collection method: clinical testing. Allele origin: germline.
Comment: This sequence change replaces arginine, which is basic and polar, with glycine, which is neutral and non-polar, at codon 581 of the ITK protein (p.Arg581Gly). This variant is present in population databases (no rsID available, gnomAD 0.006%). This variant has not been reported in the literature in individuals affected with ITK-related conditions. ClinVar contains an entry for this variant (Variation ID: 1922688). Invitae Evidence Modeling of protein sequence and biophysical properties (such as structural, functional, and spatial information, amino acid conservation, physicochemical variation, residue mobility, and thermodynamic stability) indicates that this missense variant is not expected to disrupt ITK protein function with a negative predictive value of 80%. In summary, the available evidence is currently insufficient to determine the role of this variant in disease. Therefore, it has been classified as a Variant of Uncertain Significance.

NM_005546.4(ITK):c.1741C>G (p.Arg581Gly)

Gene: ITK (IL2 inducible T cell kinase; plus strand). Cytogenetic location: 5q33.3.
Variant type: single nucleotide variant.
Coding change: c.1741C>G on transcript NM_005546.4 (MANE Select); coding-DNA position 1741, C replaced by G.
Protein change: p.Arg581Gly; replaces arginine 581 with glycine.
Molecular consequence: missense variant.
Genome position (GRCh38, 1-based): chr5:157,248,957, C>G. VCF-style: chr5-157248957-C-G. GRCh37 (hg19) VCF-style: chr5-156675967-C-G.
Other names: short protein forms R581G.
Identifiers: ClinVar variation 1922688 (VCV001922688.5), dbSNP rs34482255, ClinGen allele CA361963873.
Genomic context (GRCh38, chr5:157,248,957, plus strand): 5'-AACCGAAGCAACTCAGAGGTGGTGGAAGACATCAGTACCGGATTTCGGTTGTACAAGCCC[C>G]GGCTGGCCTCCACACACGTCTACCAGATTATGAATCACTGCTGGAAAGAGGTCAGTGGAG-3'
Protein context (NP_005537.3, residues 571-591): ISTGFRLYKP[Arg581Gly]LASTHVYQIM